The following is an entry in ClinVar:

ClinVar aggregate classification (germline): Uncertain significance (1 of 4 stars; one submission).

Submission:

Labcorp Genetics (formerly Invitae), Labcorp
Classification: Uncertain significance. Last evaluated: 2023-08-14. Review status: criteria provided, single submitter. Criteria: Invitae Variant Classification Sherloc (09022015). Collection method: clinical testing. Allele origin: germline.
Comment: This variant has not been reported in the literature in individuals affected with OPA1-related conditions. Advanced modeling of protein sequence and biophysical properties (such as structural, functional, and spatial information, amino acid conservation, physicochemical variation, residue mobility, and thermodynamic stability) performed at Invitae indicates that this missense variant is not expected to disrupt OPA1 protein function. In summary, the available evidence is currently insufficient to determine the role of this variant in disease. Therefore, it has been classified as a Variant of Uncertain Significance. This variant is not present in population databases (gnomAD no frequency). This sequence change replaces alanine, which is neutral and non-polar, with glycine, which is neutral and non-polar, at codon 514 of the OPA1 protein (p.Ala514Gly).

NM_130837.3(OPA1):c.1706C>G (p.Ala569Gly)

Gene: OPA1 (OPA1 mitochondrial dynamin like GTPase; plus strand). Cytogenetic location: 3q29.
Variant type: single nucleotide variant.
Coding change: c.1706C>G on transcript NM_130837.3 (MANE Select); coding-DNA position 1706, C replaced by G.
Protein change: p.Ala569Gly; replaces alanine 569 with glycine.
Molecular consequence: missense variant.
Genome position (GRCh38, 1-based): chr3:193,645,752, C>G. VCF-style: chr3-193645752-C-G. GRCh37 (hg19) VCF-style: chr3-193363541-C-G.
Other names: c.1487C>G, p.Ala496Gly (NM_130832.3); c.1544C>G, p.Ala515Gly (NM_130833.3); c.1595C>G, p.Ala532Gly (NM_130834.3); c.1598C>G, p.Ala533Gly (NM_130835.3); c.1652C>G, p.Ala551Gly (NM_130836.3); c.1172C>G, p.Ala391Gly (NM_001354663.2); c.1169C>G, p.Ala390Gly (NM_001354664.2); c.1541C>G, p.Ala514Gly (NM_015560.3); and 1 more; short protein forms A532G, A569G, A514G, A551G, A390G, A391G, A496G, A478G.
Identifiers: ClinVar variation 2855182 (VCV002855182.3), dbSNP rs2474903994, ClinGen allele CA355790220.